The following is an entry in ClinVar:

NM_000277.3(PAH):c.1209del (p.Ala404fs)

Gene: PAH (phenylalanine hydroxylase; minus strand). Cytogenetic location: 12q23.2.
Variant type: Deletion.
Coding change: c.1209del on transcript NM_000277.3 (MANE Select); coding-DNA position 1209, one base deleted (T; older notation c.1209delT).
Protein change: p.Ala404fs; shifts the reading frame from alanine 404.
Molecular consequence: frameshift variant.
Genome position (GRCh38, 1-based): chr12:102,840,506, A deleted on the plus strand (T on the coding strand, the reverse complement: PAH is on the minus strand). VCF-style (leftmost placement, unchanged base first): chr12-102840505-CA-C. GRCh37 (hg19) VCF-style: chr12-103234283-CA-C.
Other names: c.1209del, p.Ala404fs (NM_001354304.2); short protein forms A404fs.
Identifiers: ClinVar variation 557999 (VCV000557999.4), dbSNP rs1555203401, ClinGen allele CA658821440.

ClinVar aggregate classification (germline): Pathogenic. Review status: criteria provided, single submitter (1 of 4 stars). 2 submissions from 2 submitters: Pathogenic (1). 1 of the submissions does not count toward it. Last evaluated 2024-10-04.

Conditions:
Phenylketonuria (PKU). Also called: OLIGOPHRENIA PHENYLPYRUVICA; Phenylketonurias; FOLLING DISEASE; Phenylketonuria (PKU). Identifiers: Orphanet 716, MedGen C0031485, MONDO:0009861, OMIM 261600. Disease mechanism: loss of function.

Submissions (2):

Labcorp Genetics (formerly Invitae), Labcorp
Classification: Pathogenic for Phenylketonuria. Last evaluated: 2024-10-04. Review status: criteria provided, single submitter. Criteria: Invitae Variant Classification Sherloc (09022015). Collection method: clinical testing. Allele origin: germline.
Comment: This sequence change creates a premature translational stop signal (p.Ala404Profs*48) in the PAH gene. While this is not anticipated to result in nonsense mediated decay, it is expected to disrupt the last 49 amino acid(s) of the PAH protein. This variant is not present in population databases (gnomAD no frequency). This variant has not been reported in the literature in individuals affected with PAH-related conditions. ClinVar contains an entry for this variant (Variation ID: 557999). This variant disrupts a region of the PAH protein in which other variant(s) (p.Ala447Asp) have been determined to be pathogenic (PMID: 8659548, 9540801, 12173030). This suggests that this is a clinically significant region of the protein, and that variants that disrupt it are likely to be disease-causing. For these reasons, this variant has been classified as Pathogenic.

Counsyl
Classification: Likely pathogenic for Phenylketonuria. Last evaluated: 2018-04-24. Review status: no assertion criteria provided. Collection method: clinical testing. Allele origin: unknown. Not counted in ClinVar's aggregate classification.

Literature cited by the submitters: PubMed 8659548 (cited by Labcorp Genetics (formerly Invitae), Labcorp); PubMed 9540801 (cited by Labcorp Genetics (formerly Invitae), Labcorp); PubMed 12173030 (cited by Labcorp Genetics (formerly Invitae), Labcorp).